The following is an entry in ClinVar:

ClinVar aggregate classification (germline): Likely pathogenic (1 of 4 stars; one submission).

Conditions:
Cardiovascular phenotype. Identifiers: MedGen CN230736.

Submission:

Ambry Genetics
Classification: Likely pathogenic for Cardiovascular phenotype. Last evaluated: 2025-10-01. Review status: criteria provided, single submitter. Criteria: Ambry Variant Classification Scheme 2023. Collection method: clinical testing. Allele origin: germline.
Comment: The c.52018dupG variant, located in coding exon 153 of the TTN gene, results from a duplication of G at nucleotide position 52018, causing a translational frameshift with a predicted alternate stop codon (p.V17340Gfs*8). This exon is located in the A-band region of the N2-B isoform of the titin protein and is constitutively expressed in TTN transcripts (percent spliced in or PSI 100%). This variant is considered to be rare based on population cohorts in the Genome Aggregation Database (gnomAD). This variant is expected to result in loss of function by premature protein truncation or nonsense-mediated mRNA decay. While truncating variants in TTN are present in 1-3% of the general population, truncating variants in the A-band are the most common cause of dilated cardiomyopathy (Herman DS et al. N. Engl. J. Med., 2012 Feb;366:619-28; Roberts AM et al. Sci Transl Med, 2015 Jan;7:270ra6). TTN truncating variants encoded in constitutive exons (PSI >90%) have been found to be significantly associated with DCM regardless of their position in titin (Schafer S et al. Nat. Genet., 2017 01;49:46-53; Akhtar MM et al. Circ Heart Fail, 2020 Oct;13:e006832; Massier M et al. Clin Genet, 2025 Jan). Based on the majority of available evidence to date, this variant is likely to be pathogenic.

NM_001267550.2(TTN):c.79213dup (p.Val26405fs)

Genes: TTN (titin; minus strand), TTN-AS1 (TTN antisense RNA 1; plus strand). Cytogenetic location: 2q31.2.
Variant type: Duplication.
Coding change: c.79213dup on transcript NM_001267550.2 (MANE Select); coding-DNA position 79213, one base duplicated (G; older notation c.79213dupG).
Protein change: p.Val26405fs; shifts the reading frame from valine 26405.
Molecular consequence: frameshift variant.
Genome position (GRCh38, 1-based): chr2:178,566,919, C duplicated on the plus strand (G on the coding strand, the reverse complement: TTN is on the minus strand). VCF-style (leftmost placement, unchanged base first): chr2-178566918-A-AC. GRCh37 (hg19) VCF-style: chr2-179431645-A-AC.
Other names: c.74290dup, p.Val24764fs (NM_001256850.1); c.52018dup, p.Val17340fs (NM_003319.4); c.71509dup, p.Val23837fs (NM_133378.4); c.52393dup, p.Val17465fs (NM_133432.3); c.52594dup, p.Val17532fs (NM_133437.4); c.52018dupG (NM_003319.4); short protein forms V17340fs, V23837fs, V26405fs, V17465fs, V17532fs, V24764fs.
Identifiers: ClinVar variation 4615311 (VCV004615311.1).
Genomic context (GRCh38, chr2:178,566,918, plus strand): 5'-TTCTCTACAATGTAACCAATAATCTCACTTCCACCATCACTATCTGGACGGTTCCAACAG[A>AC]CGGTCATGGAGTCTTTGGCAATATTTGTGACTTCCAAGCTTTTTGGTGGTCCAGGAAGCA-3'